The following is an entry in ClinVar:

ClinVar aggregate classification (germline): Pathogenic (1 of 4 stars; one submission).

Conditions:
Citrin deficiency. Identifiers: Orphanet 247582, MedGen C1997910, MONDO:0016602.

Allele frequency attached by ClinVar (database versions not stated): gnomAD exomes below 0.00001.

Submission:

Labcorp Genetics (formerly Invitae), Labcorp
Classification: Pathogenic for Citrin deficiency. Last evaluated: 2021-08-16. Review status: criteria provided, single submitter. Criteria: Invitae Variant Classification Sherloc (09022015). Collection method: clinical testing. Allele origin: germline.
Comment: This sequence change creates a premature translational stop signal (p.Thr410Asnfs*9) in the SLC25A13 gene. It is expected to result in an absent or disrupted protein product. Loss-of-function variants in SLC25A13 are known to be pathogenic (PMID: 10369257, 14680984, 27405544). For these reasons, this variant has been classified as Pathogenic. This variant has not been reported in the literature in individuals affected with SLC25A13-related conditions. This variant is not present in population databases (ExAC no frequency).

Literature cited by the submitters: PubMed 10369257; PubMed 14680984; PubMed 27405544.

NM_014251.3(SLC25A13):c.1228dup (p.Thr410fs)

Gene: SLC25A13 (solute carrier family 25 member 13; minus strand). Cytogenetic location: 7q21.3.
Variant type: Duplication.
Coding change: c.1228dup on transcript NM_014251.3 (MANE Select); coding-DNA position 1228, one base duplicated (A; older notation c.1228dupA).
Protein change: p.Thr410fs; shifts the reading frame from threonine 410.
Molecular consequence: frameshift variant. On other transcripts: non-coding transcript variant (1).
Genome position (GRCh38, 1-based): chr7:96,171,474, T duplicated on the plus strand (A on the coding strand, the reverse complement: SLC25A13 is on the minus strand). VCF-style (leftmost placement, unchanged base first): chr7-96171473-G-GT. GRCh37 (hg19) VCF-style: chr7-95800785-G-GT.
Other names: c.1231dup, p.Thr411fs (NM_001160210.2); short protein forms T410fs, T411fs.
Identifiers: ClinVar variation 1361197 (VCV001361197.6), dbSNP rs1286193203, ClinGen allele CA576351718.